The following is an entry in ClinVar:

NM_001018005.2(TPM1):c.548C>T (p.Ala183Val)

Gene: TPM1 (tropomyosin 1; plus strand). Cytogenetic location: 15q22.2.
Variant type: single nucleotide variant.
Coding change: c.548C>T on transcript NM_001018005.2 (MANE Select); coding-DNA position 548, C replaced by T.
Protein change: p.Ala183Val; replaces alanine 183 with valine.
Molecular consequence: missense variant.
Genome position (GRCh38, 1-based): chr15:63,060,924, C>T. VCF-style: chr15-63060924-C-T. GRCh37 (hg19) VCF-style: chr15-63353123-C-T.
Other names: p.A183V:GCT>GTT; c.548C>T, p.Ala183Val (NM_000366.6, NM_001018004.2, NM_001018006.2 and 6 more transcripts); c.440C>T, p.Ala147Val (NM_001018008.2, NM_001301289.2, NM_001330344.2 and 5 more transcripts); c.674C>T, p.Ala225Val (NM_001365778.1); short protein forms A183V, A225V, A147V.
Identifiers: ClinVar variation 43424 (VCV000043424.34), dbSNP rs397516376, ClinGen allele CA018120.

ClinVar aggregate classification (germline): Uncertain significance. Review status: reviewed by expert panel (3 of 4 stars). 11 submissions from 11 submitters: Uncertain significance (1). 10 of the submissions do not count toward it. Last evaluated 2025-11-14.

Conditions:
Cardiovascular phenotype. Identifiers: MedGen CN230736.
Cardiomyopathy (CMYO). Also called: Cardiomyopathies. Identifiers: Orphanet 167848, MedGen C0878544, MONDO:0004994, HP:0001638. Inheritance: Various modes of inheritance.
Hypertrophic cardiomyopathy 3. Also called: TPM1-Related Familial Hypertrophic Cardiomyopathy. Identifiers: MedGen C1861863, MONDO:0007267, OMIM 115196.
Dilated cardiomyopathy 1Y (CMD1Y). Identifiers: Orphanet 154, Orphanet 54260, MedGen C2678476, MONDO:0012744, OMIM 611878.
Hypertrophic cardiomyopathy. Also called: HYPERTROPHIC MYOCARDIOPATHY. Identifiers: Orphanet 217569, MedGen C0007194, MeSH D002312, MONDO:0005045, HP:0001639.

Allele frequency attached by ClinVar (database versions not stated): gnomAD 0.00001; TOPMed 0.00001; gnomAD exomes 0.00002.
gnomAD v4.1: 30 of 1,614,020 alleles (0.0019%); highest among the groups gnomAD compares: Non-Finnish European, 0.0023%; no homozygotes.

Submissions (11):

ClinGen Cardiomyopathy Variant Curation Expert Panel
Classification: Uncertain significance for Hypertrophic cardiomyopathy. Last evaluated: 2025-11-14. Review status: reviewed by expert panel. Criteria: ClinGen CMP ACMG Specifications TPM1 V1.0.0. Collection method: curation. Allele origin: germline. Inheritance: Autosomal dominant inheritance.
Comment: NM_001018005.2(TPM1):c.548C>T (p.Ala183Val). This variant has been reported in individuals with HCM (Laboratory for Molecular Medicine (LMM) data, Oxford Medical Genomics Laboratory (OMGL) data, Lopez 2015 PMID:25351510, Ross 2017 PMID: 28615295, Walsh 2017 PMID: 27532257) and has also been identified in 4 out of 113682 (FAF 95% CI > 0.004%) of European chromosomes in gnomAD (v.2.1). The variant is not statistically increased in individuals with HCM compared to controls (OR, lower 95% CI<5), therefore, the PS4 criterion has not been applied and the PM2_Supporting criterion has not been applied either. This variant segregated with disease in 3 affected individuals with HCM from 1 family (PP1; Ross 2017 PMID:28615295). This missense variant is in a gene that has been determined to have a low rate of benign missense variation and in which missense variants are a common mechanism of disease (PP2; Walsh et al. 2019 PMID:30696458). Additionally, computational prediction tools and conservation analyses suggest that this variant may impact the protein (PP3; REVEL score ≥0.70). In summary, due to insufficient evidence, this variant is classified as uncertain significance for hypertrophic cardiomyopathy in an autosomal dominant manner based on PP1, PP2 and PP3.

Labcorp Genetics (formerly Invitae), Labcorp
Classification: Likely pathogenic for Hypertrophic cardiomyopathy. Last evaluated: 2025-12-16. Review status: criteria provided, single submitter. Criteria: Invitae Variant Classification Sherloc (09022015). Collection method: clinical testing. Allele origin: germline. Not counted in ClinVar's aggregate classification.
Comment: This sequence change replaces alanine, which is neutral and non-polar, with valine, which is neutral and non-polar, at codon 183 of the TPM1 protein (p.Ala183Val). This variant is present in population databases (rs397516376, gnomAD 0.004%). This missense change has been observed in individuals with clinical features of hypertrophic cardiomyopathy (PMID: 28615295, 28790153, 33495597, 37652022; internal data). ClinVar contains an entry for this variant (Variation ID: 43424). An algorithm developed to predict the effect of missense changes on protein structure and function (PolyPhen-2) suggests that this variant is likely to be disruptive. In summary, the currently available evidence indicates that the variant is pathogenic, but additional data are needed to prove that conclusively. Therefore, this variant has been classified as Likely Pathogenic.

All of Us Research Program, National Institutes of Health
Classification: Uncertain significance for Hypertrophic cardiomyopathy. Last evaluated: 2024-07-20. Review status: criteria provided, single submitter. Criteria: ACMG Guidelines, 2015. Collection method: clinical testing. Allele origin: germline. Inheritance: Autosomal dominant inheritance. Observed: 8 variant alleles, 8 heterozygotes. Not counted in ClinVar's aggregate classification.
Comment: This missense variant replaces alanine with valine at codon 183 of the TPM1 protein. Computational prediction suggests that this variant may have a deleterious impact on protein structure and function (internally defined REVEL score threshold >= 0.7, PMID: 27666373). To our knowledge, functional studies have not been reported for this variant. This variant has been reported in at least six unrelated individuals and in one family affected with hypertrophic cardiomyopathy (PMID: 25351510, 25611685, 27532257, 28408708, 28615295, 28790153, 33495597). This variant has also been reported in a healthy individual who had a family history of hypertrophic cardiomyopathy (Patel 2018, dissertation, University College London). This variant has been identified in 4/251314 chromosomes in the general population by the Genome Aggregation Database (gnomAD). The available evidence is insufficient to determine the role of this variant in disease conclusively. Therefore, this variant is classified as a Variant of Uncertain Significance.

This study involves interpretation of variants in research participants for the purpose of population health screening. Participant phenotype was not available at the time of variant classification. Additional details can be found in publication PMID: 35346344, PMCID: PMC8962531

Color Diagnostics, LLC DBA Color Health
Classification: Uncertain significance for Cardiomyopathy. Last evaluated: 2024-07-11. Review status: criteria provided, single submitter. Criteria: ACMG Guidelines, 2015. Collection method: clinical testing. Allele origin: germline. Not counted in ClinVar's aggregate classification.
Comment: This missense variant replaces alanine with valine at codon 183 of the TPM1 protein. Computational prediction tools indicate that this variant has a deleterious impact on protein structure and function. To our knowledge, functional studies have not been reported for this variant. This variant has been reported in several unrelated individuals and in one family affected with hypertrophic cardiomyopathy (PMID: 25351510, 25611685, 27532257, 28408708, 28615295, 28790153, 33495597). This variant has also been reported in a healthy individual who had a family history of hypertrophic cardiomyopathy (Patel 2018, dissertation, University College London). This variant has been identified in 4/251314 chromosomes in the general population by the Genome Aggregation Database (gnomAD). The available evidence is insufficient to determine the role of this variant in disease conclusively. Therefore, this variant is classified as a Variant of Uncertain Significance.

Fulgent Genetics
Classification: Uncertain significance for Hypertrophic cardiomyopathy 3; Dilated cardiomyopathy 1Y. Last evaluated: 2023-12-29. Review status: criteria provided, single submitter. Criteria: ACMG Guidelines, 2015. Collection method: clinical testing. Allele origin: germline. Not counted in ClinVar's aggregate classification.

GeneDx
Classification: Uncertain significance. Last evaluated: 2023-10-24. Review status: criteria provided, single submitter. Criteria: GeneDx Variant Classification Process June 2021. Collection method: clinical testing. Allele origin: germline. Affected: yes. Not counted in ClinVar's aggregate classification.
Comment: Reported in association with HCM in published literature (Lopes et al., 2015; Alfares et al., 2015; Walsh et al., 2017; Burns et al., 2017; Ross et al., 2017); Not observed at significant frequency in large population cohorts (gnomAD); In silico analysis supports that this missense variant has a deleterious effect on protein structure/function; This variant is associated with the following publications: (PMID: 28790153, 28408708, 28615295, 25351510, 36243179, 25611685, 27532257)

Victorian Clinical Genetics Services, Murdoch Childrens Research Institute
Classification: Likely pathogenic for Hypertrophic cardiomyopathy 3. Last evaluated: 2022-02-02. Review status: criteria provided, single submitter. Criteria: ACMG Guidelines, 2015. Collection method: clinical testing. Allele origin: germline. Inheritance: Autosomal dominant inheritance. Affected: yes. Not counted in ClinVar's aggregate classification.
Comment: Based on the classification scheme VCGS_Germline_v1.3.4, this variant is classified as Likely pathogenic. Following criteria are met: 0105 - The mechanism of disease for this gene is not clearly established, although it has been suggested that that HCM is caused by gain of function missense variants while DCM is caused by loss of function missense variants (PMID: 31270709). (I) 0107 - This gene is associated with autosomal dominant disease. (I) 0200 - Variant is predicted to result in a missense amino acid change from alanine to valine. (I) 0251 - This variant is heterozygous. (I) 0302 - Variant is present in gnomAD (v2) <0.001 for a dominant condition (4 heterozygotes, 0 homozygotes). (SP) 0502 - Missense variant with conflicting in silico predictions but very high conservation. (I) 0600 - Variant is located in the annotated Tropomyosin domain (NCBI). (I) 0705 - No comparable missense variants have previous evidence for pathogenicity. (I) 0808 - Previous reports of pathogenicity for this variant are conflicting. This variant has been reported four times as a VUS and once as likely pathogenic in ClinVar. However, this variant has been reported in at least ten unrelated individuals with HCM (ClinVar, PMID: 27532257, PMID: 28615295, PMID: 25351510). (SP) 1007 - No published functional evidence has been identified for this variant. (I) 1208 - Inheritance information for this variant is not currently available in this individual. (I) Legend: (SP) - Supporting pathogenic, (I) - Information, (SB) - Supporting benign

CHEO Genetics Diagnostic Laboratory, Children's Hospital of Eastern Ontario
Classification: Uncertain significance for Cardiomyopathy. Last evaluated: 2021-05-25. Review status: criteria provided, single submitter. Criteria: ACMG Guidelines, 2015. Collection method: clinical testing. Allele origin: germline. Not counted in ClinVar's aggregate classification.

Ambry Genetics
Classification: Uncertain significance for Cardiovascular phenotype. Last evaluated: 2019-09-29. Review status: criteria provided, single submitter. Criteria: Ambry Variant Classification Scheme 2023. Collection method: clinical testing. Allele origin: germline. Not counted in ClinVar's aggregate classification.

Agnes Ginges Centre for Molecular Cardiology, Centenary Institute
Classification: Likely pathogenic for Hypertrophic cardiomyopathy 3. Last evaluated: 2017-07-25. Review status: criteria provided, single submitter. Criteria: ACMG Guidelines, 2015. Collection method: research. Allele origin: germline. Affected: yes. Not counted in ClinVar's aggregate classification.
Comment: The TPM1 Ala183Val has previously been reported in 6 individuals with HCM (Walsh R, et al 2017;SCV000209314 - GeneDx personal communication). We have identified this variant in 3 probands of European ethnicity; The TPM1 Ala183Val variant is absent in the 1000 genomes project, as well as the Exome Aggregation Consortium dataset. In silico tools, MutationTaster, PolyPhen-2 and SIFT predict this variant the be deleterious. Based on this information we classify this variant as "likely pathogenic".

Laboratory for Molecular Medicine, Mass General Brigham Personalized Medicine
Classification: Uncertain significance. Last evaluated: 2015-10-07. Review status: criteria provided, single submitter. Criteria: LMM Criteria. Collection method: clinical testing. Allele origin: germline. Observed: 2 variant alleles. Not counted in ClinVar's aggregate classification.
Comment: Computational predi ction tools and conservation analysis suggest that the p.Ala183Val variant may i mpact the protein, though this information is not predictive enough to determine pathogenicity. In summary, the clinical significance of the p.Ala183Val variant is uncertain.

Literature cited by the submitters: PubMed 28615295 (cited by 5 submitters); PubMed 28790153 (cited by 3 submitters); PubMed 33495597 (cited by 3 submitters); PubMed 37652022 (cited by Labcorp Genetics (formerly Invitae), Labcorp); PubMed 25351510 (cited by 3 submitters); PubMed 25611685 (cited by 3 submitters); PubMed 27532257 (cited by 4 submitters); PubMed 28408708 (cited by All of Us Research Program, National Institutes of Health and Color Diagnostics, LLC DBA Color Health); PubMed 31270709 (cited by Victorian Clinical Genetics Services, Murdoch Childrens Research Institute).